The following is an entry in ClinVar:

ClinVar aggregate classification (germline): Uncertain significance. Review status: criteria provided, multiple submitters, no conflicts (2 of 4 stars). 3 submissions from 3 submitters: Uncertain significance (3). Last evaluated 2024-10-11.

Conditions:
Congenital myotonia, autosomal recessive form. Also called: Becker Generalized Myotonia; BECKER DISEASE; myotonia congenita, autosomal recessive. Identifiers: Orphanet 614, MedGen C0751360, MONDO:0009715, OMIM 255700.
Congenital myotonia, autosomal dominant form (THD). Also called: THOMSEN DISEASE; Myotonia congenita autosomal dominant. Identifiers: Orphanet 614, MedGen C2936781, MONDO:0008055, OMIM 160800.

Allele frequency attached by ClinVar (database versions not stated): TOPMed below 0.00001; gnomAD 0.00001.
gnomAD v4.1: 13 of 1,534,640 alleles (0.00085%); highest among the groups gnomAD compares: South Asian, 0.0012%; no homozygotes.

Submissions (3):

Women's Health and Genetics/Laboratory Corporation of America, LabCorp
Classification: Uncertain significance. Last evaluated: 2024-10-11. Review status: criteria provided, single submitter. Criteria: LabCorp Variant Classification Summary - May 2015. Collection method: clinical testing. Allele origin: germline.
Comment: Variant summary: CLCN1 c.1936A>G (p.Met646Val) results in a conservative amino acid change in the encoded protein sequence. Three of five in-silico tools predict a damaging effect of the variant on protein function. The variant allele was found at a frequency of 6.6e-06 in 151392 control chromosomes (gnomAD). The available data on variant occurrences in the general population are insufficient to allow any conclusion about variant significance. c.1936A>G has been reported in the literature in individuals affected with both autosomal dominant and recessive forms of nondystrophic myotonias (example: Ivanova_2012). These data do not allow any conclusion about variant significance. To our knowledge, no experimental evidence demonstrating an impact on protein function has been reported. The following publication has been ascertained in the context of this evaluation (PMID: 23113340). ClinVar contains an entry for this variant (Variation ID: 2440108). Based on the evidence outlined above, the variant was classified as uncertain significance.

Labcorp Genetics (formerly Invitae), Labcorp
Classification: Uncertain significance for Congenital myotonia, autosomal recessive form; Congenital myotonia, autosomal dominant form. Last evaluated: 2024-03-25. Review status: criteria provided, single submitter. Criteria: Invitae Variant Classification Sherloc (09022015). Collection method: clinical testing. Allele origin: germline.
Comment: This sequence change replaces methionine, which is neutral and non-polar, with valine, which is neutral and non-polar, at codon 646 of the CLCN1 protein (p.Met646Val). The frequency data for this variant in the population databases is considered unreliable, as metrics indicate poor data quality at this position in the gnomAD database. This missense change has been observed in individual(s) with autosomal recessive CLCN1-related conditions (PMID: 23113340). ClinVar contains an entry for this variant (Variation ID: 2440108). Advanced modeling of protein sequence and biophysical properties (such as structural, functional, and spatial information, amino acid conservation, physicochemical variation, residue mobility, and thermodynamic stability) performed at Invitae indicates that this missense variant is expected to disrupt CLCN1 protein function with a positive predictive value of 80%. This variant disrupts the p.Met646 amino acid residue in CLCN1. Other variant(s) that disrupt this residue have been determined to be pathogenic (PMID: 18337730). This suggests that this residue is clinically significant, and that variants that disrupt this residue are likely to be disease-causing. In summary, the available evidence is currently insufficient to determine the role of this variant in disease. Therefore, it has been classified as a Variant of Uncertain Significance.

Revvity Omics, Revvity
Classification: Uncertain significance. Last evaluated: 2019-02-15. Review status: criteria provided, single submitter. Criteria: ACMG Guidelines, 2015. Collection method: clinical testing. Allele origin: germline.

Literature cited by the submitters: PubMed 23113340 (cited by Women's Health and Genetics/Laboratory Corporation of America, LabCorp and Labcorp Genetics (formerly Invitae), Labcorp); PubMed 18337730 (cited by Labcorp Genetics (formerly Invitae), Labcorp).

NM_000083.3(CLCN1):c.1936A>G (p.Met646Val)

Genes: CLCN1 (chloride voltage-gated channel 1; plus strand), LOC123956257 (Sharpr-MPRA regulatory region 4117; plus strand). Cytogenetic location: 7q34.
Variant type: single nucleotide variant.
Coding change: c.1936A>G on transcript NM_000083.3 (MANE Select); coding-DNA position 1936, A replaced by G.
Protein change: p.Met646Val; replaces methionine 646 with valine.
Molecular consequence: missense variant. On other transcripts: non-coding transcript variant (1).
Genome position (GRCh38, 1-based): chr7:143,345,526, A>G. VCF-style: chr7-143345526-A-G. GRCh37 (hg19) VCF-style: chr7-143042619-A-G.
Other names: short protein forms M646V.
Identifiers: ClinVar variation 2440108 (VCV002440108.6), dbSNP rs1156766492, ClinGen allele CA369649332.